The following is an entry in ClinVar:

ClinVar aggregate classification (germline): Pathogenic (1 of 4 stars; one submission).

Submission:

GeneDx
Classification: Pathogenic. Last evaluated: 2020-09-11. Review status: criteria provided, single submitter. Criteria: GeneDx Variant Classification Process June 2021. Collection method: clinical testing. Allele origin: germline. Affected: yes.
Comment: Canonical splice site variant predicted to result in a null allele in a gene for which loss-of-function is a known mechanism of disease; Not observed in large population cohorts (Lek et al., 2016); This variant is associated with the following publications: (PMID: 29655203)

NM_001165963.4(SCN1A):c.2947-1G>A

Gene: SCN1A (sodium voltage-gated channel alpha subunit 1; minus strand). Cytogenetic location: 2q24.3.
Variant type: single nucleotide variant.
Coding change: c.2947-1G>A on transcript NM_001165963.4 (MANE Select); the canonical splice acceptor site of the intron before coding-DNA position 2947, G replaced by A.
Molecular consequence: splice acceptor variant.
Genome position (GRCh38, 1-based): chr2:166,036,531, C>T on the plus strand (G>A on the coding strand, the complement: SCN1A is on the minus strand). VCF-style: chr2-166036531-C-T. GRCh37 (hg19) VCF-style: chr2-166893041-C-T.
Other names: c.2914-1G>A (NM_001353949.2, NM_001353950.2, NM_001353951.2 and 2 more transcripts); c.2863-1G>A (NM_001353958.2, NM_001353957.2, NM_001165964.3); c.2947-1G>A (NM_001202435.3, NM_001353948.2); c.2911-1G>A (NM_001353955.2, NM_001353954.2); c.2860-1G>A (NM_001353960.2); c.505-1G>A (NM_001353961.2).
Identifiers: ClinVar variation 432043 (VCV000432043.2), dbSNP rs1553540508, ClinGen allele CA349060667.